The following is an entry in ClinVar:

NM_001278293.3(ARL6):c.168G>C (p.Glu56Asp)

Gene: ARL6 (ARF like GTPase 6; plus strand). Cytogenetic location: 3q11.2.
Variant type: single nucleotide variant.
Coding change: c.168G>C on transcript NM_001278293.3 (MANE Select); coding-DNA position 168, G replaced by C.
Protein change: p.Glu56Asp; replaces glutamic acid 56 with aspartic acid.
Molecular consequence: missense variant. On other transcripts: non-coding transcript variant (7).
Genome position (GRCh38, 1-based): chr3:97,780,203, G>C. VCF-style: chr3-97780203-G-C. GRCh37 (hg19) VCF-style: chr3-97499047-G-C.
Other names: c.168G>C, p.Glu56Asp (NM_001323513.2, NM_001323514.2, NM_032146.5 and 1 more transcripts); short protein forms E56D.
Identifiers: ClinVar variation 1488689 (VCV001488689.4), dbSNP rs1295586318, ClinGen allele CA353585723.
Genomic context (GRCh38, chr3:97,780,203, plus strand): 5'-GTCTTTTCTCTTAAAGGCTCAATCTCAAAATATCCTTCCAACAATAGGATTCAGCATAGA[G>C]AAATTCAAATCATCCAGGTAATCCACTTTATCCCTTAACAAAAAAGTTGCTAGTGAAAAA-3'
Protein context (NP_001265222.1, residues 46-66): NILPTIGFSI[Glu56Asp]KFKSSSLSFT

ClinVar aggregate classification (germline): Uncertain significance. Review status: criteria provided, single submitter (1 of 4 stars). 2 submissions from 2 submitters: Uncertain significance (1). 1 of the submissions does not count toward it. Last evaluated 2021-12-13.

Conditions:
Bardet-Biedl syndrome 3 (BBS3). Identifiers: Orphanet 110, MedGen C1859564, MONDO:0010832, OMIM 600151.
Retinitis pigmentosa 55 (RP55). Identifiers: Orphanet 791, MedGen C3150808, MONDO:0013312, OMIM 613575.
ARL6-related disorder. Also called: ARL6-related condition.

Allele frequency attached by ClinVar (database versions not stated): gnomAD exomes below 0.00001; gnomAD 0.00001.
gnomAD v4.1: 2 of 1,612,718 alleles (0.00012%); highest among the groups gnomAD compares: African/African-American, 0.0013%; no homozygotes.

Submissions (2):

Labcorp Genetics (formerly Invitae), Labcorp
Classification: Uncertain significance for Retinitis pigmentosa 55; Bardet-Biedl syndrome 3. Last evaluated: 2021-12-13. Review status: criteria provided, single submitter. Criteria: Invitae Variant Classification Sherloc (09022015). Collection method: clinical testing. Allele origin: germline.
Comment: This sequence change replaces glutamic acid, which is acidic and polar, with aspartic acid, which is acidic and polar, at codon 56 of the ARL6 protein (p.Glu56Asp). This variant is not present in population databases (gnomAD no frequency). This variant has not been reported in the literature in individuals affected with ARL6-related conditions. Algorithms developed to predict the effect of missense changes on protein structure and function (SIFT, PolyPhen-2, Align-GVGD) all suggest that this variant is likely to be tolerated. In summary, the available evidence is currently insufficient to determine the role of this variant in disease. Therefore, it has been classified as a Variant of Uncertain Significance.

PreventionGenetics, part of Exact Sciences
Classification: Uncertain significance for ARL6-related condition. Last evaluated: 2024-09-05. Review status: no assertion criteria provided. Collection method: clinical testing. Allele origin: germline. Not counted in ClinVar's aggregate classification.
Comment: The ARL6 c.168G>C variant is predicted to result in the amino acid substitution p.Glu56Asp. To our knowledge, this variant has not been reported in the literature or in a large population database, indicating this variant is rare. At this time, the clinical significance of this variant is uncertain due to the absence of conclusive functional and genetic evidence.